The following is an entry in ClinVar:

NM_198150.3(ARSK):c.257-6del

Gene: ARSK (arylsulfatase family member K; plus strand). Cytogenetic location: 5q15.
Variant type: Deletion.
Coding change: c.257-6del on transcript NM_198150.3 (MANE Select); 6 bases into the intron before coding-DNA position 257, one base deleted (T; older notation c.257-6delT).
Molecular consequence: intron variant.
Genome position (GRCh38, 1-based): chr5:95,567,884, T deleted; the last of 13 consecutive T bases (chr5:95,567,872-95,567,884); deleting any one gives the same sequence. VCF-style (leftmost placement, unchanged base first): chr5-95567871-CT-C. GRCh37 (hg19) VCF-style: chr5-94903575-CT-C.
Identifiers: ClinVar variation 3355269 (VCV003355269.1).

ClinVar aggregate classification (germline): Likely benign (0 of 4 stars; one submission).

Conditions:
ARSK-related disorder. Also called: ARSK-related condition.

Submission:

PreventionGenetics, part of Exact Sciences
Classification: Likely benign for ARSK-related condition. Last evaluated: 2024-07-22. Review status: no assertion criteria provided. Collection method: clinical testing. Allele origin: germline.
Comment: This variant is classified as likely benign based on ACMG/AMP sequence variant interpretation guidelines (Richards et al. 2015 PMID: 25741868, with internal and published modifications).